The following is an entry in ClinVar:

NM_001135608.3(ARHGAP26):c.307C>T (p.Arg103Trp)

Gene: ARHGAP26 (Rho GTPase activating protein 26; plus strand). Cytogenetic location: 5q31.3.
Variant type: single nucleotide variant.
Coding change: c.307C>T on transcript NM_001135608.3 (MANE Select); coding-DNA position 307, C replaced by T.
Protein change: p.Arg103Trp; replaces arginine 103 with tryptophan.
Molecular consequence: missense variant. On other transcripts: non-coding transcript variant (1).
Genome position (GRCh38, 1-based): chr5:142,875,166, C>T. VCF-style: chr5-142875166-C-T. GRCh37 (hg19) VCF-style: chr5-142254731-C-T.
Other names: c.199C>T, p.Arg67Trp (NM_001349547.2); c.307C>T, p.Arg103Trp (NM_015071.6); short protein forms R103W, R67W.
Identifiers: ClinVar variation 133545 (VCV000133545.1), dbSNP rs587778050, ClinGen allele CA156908.
Genomic context (GRCh38, chr5:142,875,166, plus strand): 5'-CCAGCAAGATCTTTGCAGGAGTTTGCCACTGTCCTCAGGAATCTTGAAGATGAACGGATA[C>T]GGATGGTGAGTAGGGCTGGGCTACTCTTGGTCCCAGATAGTATATTCGTGTTGAGGGAGC-3'
Protein context (NP_001129080.1, residues 93-113): VLRNLEDERI[Arg103Trp]MIENASEVLI

ClinVar aggregate classification (germline): not provided (0 of 4 stars; one submission).

Allele frequency attached by ClinVar (database versions not stated): gnomAD exomes below 0.00001; TOPMed below 0.00001.
gnomAD v4.1: 3 of 1,613,944 alleles (0.00019%); highest among the groups gnomAD compares: Non-Finnish European, 0.00025%; no homozygotes.

Submission:

ITMI
No classification provided. Condition: AllHighlyPenetrant. Last evaluated: 2013-09-19. Review status: no classification provided. Collection method: reference population. Allele origin: germline.
Comment: Please see associated publication for description of ethnicities

Literature cited by the submitters: PubMed 24728327.